The following is an entry in ClinVar:

ClinVar aggregate classification (germline): Likely benign (1 of 4 stars; one submission).

Allele frequency attached by ClinVar (database versions not stated): 1000 Genomes Project 0.00200; 1000 Genomes Project 30x 0.00250; gnomAD 0.00416.
gnomAD v4.1: 4,815 of 916,912 alleles (0.53%); highest among the groups gnomAD compares: Non-Finnish European, 0.69%; 586 homozygotes.

Submission:

CeGaT Center for Human Genetics Tuebingen
Classification: Likely benign. Last evaluated: 2025-11-01. Review status: criteria provided, single submitter. Criteria: CeGaT Center For Human Genetics Tuebingen Variant Classification Criteria Version 2. Collection method: clinical testing. Allele origin: germline. Affected: yes. Observed: 7 variant alleles.
Comment: CFHR1: BS2

NM_002113.3(CFHR1):c.608-145A>G

Gene: CFHR1 (complement factor H related 1; plus strand). Cytogenetic location: 1q31.3.
Variant type: single nucleotide variant.
Coding change: c.608-145A>G on transcript NM_002113.3 (MANE Select); 145 bases into the intron before coding-DNA position 608, A replaced by G.
Molecular consequence: intron variant.
Genome position (GRCh38, 1-based): chr1:196,830,355, A>G. VCF-style: chr1-196830355-A-G. GRCh37 (hg19) VCF-style: chr1-196799485-A-G.
Other names: c.404-145A>G (NM_001379311.1); c.557-145A>G (NM_001379306.1); c.446-145A>G (NM_001379307.1); c.443-145A>G (NM_001379308.1); c.440-145A>G (NM_001379309.1); c.413-145A>G (NM_001379310.1); c.365-145A>G (NM_001379312.1).
Identifiers: ClinVar variation 3067205 (VCV003067205.21), dbSNP rs190166981, ClinGen allele CA35826512.